The following is an entry in ClinVar:

NM_001379081.2(FREM1):c.795C>A (p.Asp265Glu)

Gene: FREM1 (FRAS1 related extracellular matrix 1; minus strand). Cytogenetic location: 9p22.3.
Variant type: single nucleotide variant.
Coding change: c.795C>A on transcript NM_001379081.2 (MANE Select); coding-DNA position 795, C replaced by A.
Protein change: p.Asp265Glu; replaces aspartic acid 265 with glutamic acid.
Molecular consequence: missense variant. On other transcripts: non-coding transcript variant (4).
Genome position (GRCh38, 1-based): chr9:14,857,586, G>T on the plus strand (C>A on the coding strand, the complement: FREM1 is on the minus strand). VCF-style: chr9-14857586-G-T. GRCh37 (hg19) VCF-style: chr9-14857584-G-T.
Other names: c.822C>A, p.Asp274Glu (NM_001370060.1); c.795C>A, p.Asp265Glu (NM_001370063.1, NM_001370065.1, NM_144966.7); short protein forms D274E, D265E.
Identifiers: ClinVar variation 741407 (VCV000741407.12), dbSNP rs140222993, ClinGen allele CA4991470.
Genomic context (GRCh38, chr9:14,857,586, plus strand): 5'-GCACCCACACATAACCCCAAACTCTACCTTGTACACAATTTTGCTCCTGGTATCTGTGAG[G>T]TCCAGTTGGATGGAGATATAATCAATGTTGGGTGAAGGGGGATCCAGATGCTGATAACGA-3'
Protein context (NP_001366010.1, residues 255-275): PNIDYISIQL[Asp265Glu]LTDTRSKIVY

ClinVar aggregate classification (germline): Conflicting classifications of pathogenicity. Review status: criteria provided, conflicting classifications (1 of 4 stars). 4 submissions from 4 submitters: Uncertain significance (2); Likely benign (1). 1 of the submissions does not count toward it. Last evaluated 2025-12-30.

Conditions:
FREM1-related disorder. Also called: FREM1-related condition; FREM1-Related Disorders.
Inborn genetic diseases. Identifiers: MedGen C0950123, MeSH D030342.

Allele frequency attached by ClinVar (database versions not stated): gnomAD exomes 0.00029 and 0.00012; ExAC 0.00034; ESP Exome Variant Server 0.00099; gnomAD 0.00119 and 0.00128; 1000 Genomes Project 30x 0.00141; TOPMed 0.00146; 1000 Genomes Project 0.00160.
gnomAD v4.1: 363 of 1,613,770 alleles (0.022%); highest among the groups gnomAD compares: African/African-American, 0.44%; 2 homozygotes.

Submissions (4):

Labcorp Genetics (formerly Invitae), Labcorp
Classification: Likely benign. Last evaluated: 2025-12-30. Review status: criteria provided, single submitter. Criteria: Invitae Variant Classification Sherloc (09022015). Collection method: clinical testing. Allele origin: germline.

Ambry Genetics
Classification: Uncertain significance for Inborn genetic diseases. Last evaluated: 2024-02-27. Review status: criteria provided, single submitter. Criteria: Ambry Variant Classification Scheme 2023. Collection method: clinical testing. Allele origin: germline.

GeneDx
Classification: Uncertain significance. Last evaluated: 2022-09-12. Review status: criteria provided, single submitter. Criteria: GeneDx Variant Classification Process June 2021. Collection method: clinical testing. Allele origin: germline. Affected: yes.
Comment: In silico analysis supports that this missense variant does not alter protein structure/function; Has not been previously published as pathogenic or benign to our knowledge

PreventionGenetics, part of Exact Sciences
Classification: Likely benign for FREM1-related condition. Last evaluated: 2023-06-05. Review status: no assertion criteria provided. Collection method: clinical testing. Allele origin: germline. Not counted in ClinVar's aggregate classification.
Comment: This variant is classified as likely benign based on ACMG/AMP sequence variant interpretation guidelines (Richards et al. 2015 PMID: 25741868, with internal and published modifications).